The following is an entry in ClinVar:

ClinVar aggregate classification (germline): Uncertain significance (1 of 4 stars; one submission).

Submission:

Dasa
Classification: Uncertain significance. Last evaluated: 2025-05-16. Review status: criteria provided, single submitter. Criteria: DASA Assertion Criteria. Collection method: clinical testing. Allele origin: germline.
Comment: NM_001035.3(RYR2):c.520A>G (p.Lys174Glu) is a missense variant that results in the substitution of lysine with glutamic acid. This variant is absent from population databases. Computational prediction algorithms are consistent with a deleterious effect. The currently available literature and clinical evidence are not sufficient to establish a definitive association between this variant and the reported condition. Therefore, this variant is classified as a variant of uncertain significance.

NM_001035.3(RYR2):c.520A>G (p.Lys174Glu)

Gene: RYR2 (ryanodine receptor 2; plus strand). Cytogenetic location: 1q43.
Variant type: single nucleotide variant.
Coding change: c.520A>G on transcript NM_001035.3 (MANE Select); coding-DNA position 520, A replaced by G.
Protein change: p.Lys174Glu; replaces lysine 174 with glutamic acid.
Molecular consequence: missense variant.
Genome position (GRCh38, 1-based): chr1:237,377,379, A>G. VCF-style: chr1-237377379-A-G. GRCh37 (hg19) VCF-style: chr1-237540679-A-G.
Other names: short protein forms K174E.
Identifiers: ClinVar variation 4885229 (VCV004885229.2).
Genomic context (GRCh38, chr1:237,377,379, plus strand): 5'-GCAGGGGAGGCTTGTTGGTGGACCATACACCCTGCCTCTAAGCAGCGATCAGAAGGAGAA[A>G]AAGTACGAGTTGGAGATGACCTCATCTTAGTTAGCGTGTCCTCTGAAAGGTACTTGGTAA-3'
Protein context (NP_001026.2, residues 164-184): PASKQRSEGE[Lys174Glu]VRVGDDLILV